The following is an entry in ClinVar:

NM_000059.4(BRCA2):c.5796_5797del (p.His1932fs)

Gene: BRCA2 (BRCA2 DNA repair associated; plus strand). Cytogenetic location: 13q13.1.
Variant type: Deletion.
Coding change: c.5796_5797del on transcript NM_000059.4 (MANE Select); coding-DNA positions 5796 to 5797, 2 bases deleted (TA; older notation c.5796_5797delTA).
Protein change: p.His1932fs; shifts the reading frame from histidine 1932.
Molecular consequence: frameshift variant.
Genome position (GRCh38, 1-based): chr13:32,340,151-32,340,152, TA deleted; deleting any 2 consecutive bases within chr13:32,340,150-32,340,152 gives the same sequence; the c. name uses the placement nearest the transcript's 3' end. VCF-style (leftmost placement, unchanged base first): chr13-32340149-CAT-C. GRCh37 (hg19) VCF-style: chr13-32914286-CAT-C.
Other names: 6024delTA; 6024_6025delTA; c.5796_5797delTA (NM_000059.3); short protein forms H1932fs.
Identifiers: ClinVar variation 51940 (VCV000051940.34), dbSNP rs80359537, ClinGen allele CA023249.
Genomic context (GRCh38, chr13:32,340,149, plus strand): 5'-GAATGTAGCACGCATTCACATAAGGTTTTTGCTGACATTCAGAGTGAAGAAATTTTACAA[CAT>C]AACCAAAATATGTCTGGATTGGAGAAAGTTTCTAAAATATCACCTTGTGATGTTAGTTTG-3'

ClinVar aggregate classification (germline): Pathogenic. Review status: reviewed by expert panel (3 of 4 stars). 17 submissions from 17 submitters: Pathogenic (1). 16 of the submissions do not count toward it. Last evaluated 2016-04-22.

Conditions:
Hereditary cancer-predisposing syndrome. Also called: Hereditary neoplastic syndrome; Neoplastic Syndromes, Hereditary; Hereditary Cancer Syndrome; Tumor predisposition. Identifiers: Orphanet 140162, MedGen C0027672, MeSH D009386, MONDO:0015356.
Breast and/or ovarian cancer. Identifiers: MedGen CN221562.
Hereditary breast ovarian cancer syndrome. Also called: Hereditary breast and ovarian cancer syndrome (HBOC); Breast and ovarian cancer; Hereditary breast and ovarian cancer syndrome; BRCA1- and BRCA2-Associated Hereditary Breast and Ovarian Cancer; Hereditary breast and/or ovarian cancer syndrome; Hereditary breast and ovarian cancer. Identifiers: Orphanet 145, MedGen C0677776, MeSH D061325, MONDO:0003582. Disease mechanism: loss of function.
Breast-ovarian cancer, familial, susceptibility to, 2 (BROVCA2). Also called: BRCA2 Hereditary Breast and Ovarian Cancer. Identifiers: Orphanet 145, MedGen C2675520, MONDO:0012933, OMIM 612555. Disease mechanism: loss of function.
Medulloblastoma (MDB). Also called: MEDULLOBLASTOMA PREDISPOSITION SYNDROME; Medulloblastoma, somatic. Identifiers: Orphanet 616, MedGen C0025149, MeSH D008527, MONDO:0007959, OMIM 155255, HP:0002885.
Familial cancer of breast. Also called: BREAST CANCER, FAMILIAL; hereditary breast carcinoma; Hereditary breast cancer. Identifiers: Orphanet 227535, MedGen C0346153, MONDO:0016419, OMIM 114480. Disease mechanism: loss of function.
Malignant tumor of breast. Also called: Malignant breast neoplasm; Cancer breast. Identifiers: MedGen C0006142, MONDO:0007254. Disease mechanism: loss of function.

Submissions 1 to 11 of 17:

Evidence-based Network for the Interpretation of Germline Mutant Alleles (ENIGMA)
Classification: Pathogenic for Breast-ovarian cancer, familial, susceptibility to, 2. Last evaluated: 2016-04-22. Review status: reviewed by expert panel. Criteria: ENIGMA BRCA1/2 Classification Criteria (2015). Collection method: curation. Allele origin: germline.
Comment: Variant allele predicted to encode a truncated non-functional protein.

Women's Health and Genetics/Laboratory Corporation of America, LabCorp
Classification: Pathogenic for Hereditary breast ovarian cancer syndrome. Last evaluated: 2026-02-20. Review status: criteria provided, single submitter. Criteria: LabCorp Variant Classification Summary - May 2015. Collection method: clinical testing. Allele origin: germline. Not counted in ClinVar's aggregate classification.
Comment: Variant summary: BRCA2 c.5796_5797delTA (p.His1932GlnfsX12) results in a premature termination codon, predicted to cause a truncation of the encoded protein or absence of the protein due to nonsense mediated decay, which are commonly known mechanisms for disease. The variant was absent in 250660 control chromosomes. c.5796_5797delTA has been observed in multiple individuals affected with Hereditary Breast And Ovarian Cancer Syndrome. These data indicate that the variant is very likely to be associated with disease. To our knowledge, no experimental evidence demonstrating an impact on protein function has been reported. The following publications have been ascertained in the context of this evaluation (PMID: 23096355, 17688236, 11754111, 16162645, 16047344, 24737347, 22072316, 18694767). ClinVar contains an entry for this variant (Variation ID: 51940). Based on the evidence outlined above, the variant was classified as pathogenic.

Labcorp Genetics (formerly Invitae), Labcorp
Classification: Pathogenic for Hereditary breast ovarian cancer syndrome. Last evaluated: 2025-12-22. Review status: criteria provided, single submitter. Criteria: Invitae Variant Classification Sherloc (09022015). Collection method: clinical testing. Allele origin: germline. Not counted in ClinVar's aggregate classification.
Comment: This sequence change creates a premature translational stop signal (p.His1932Glnfs*12) in the BRCA2 gene. It is expected to result in an absent or disrupted protein product. Loss-of-function variants in BRCA2 are known to be pathogenic (PMID: 20104584). This variant is not present in population databases (gnomAD no frequency). This premature translational stop signal has been observed in individual(s) with breast, ovarian and/or pancreatic cancer (PMID: 15733268, 16047344, 19619314, 21989927, 23096355, 24145998, 24737347, 25395318). This variant is also known as 6024delTA. ClinVar contains an entry for this variant (Variation ID: 51940). For these reasons, this variant has been classified as Pathogenic.

Ambry Genetics
Classification: Pathogenic for Hereditary cancer-predisposing syndrome. Last evaluated: 2025-06-20. Review status: criteria provided, single submitter. Criteria: Ambry Variant Classification Scheme 2023. Collection method: clinical testing. Allele origin: germline. Not counted in ClinVar's aggregate classification.
Comment: The c.5796_5797delTA pathogenic mutation, located in coding exon 10 of the BRCA2 gene, results from a deletion of two nucleotides at nucleotide positions 5796 to 5797, causing a translational frameshift with a predicted alternate stop codon (p.H1932Qfs*12). This mutation has been reported in multiple hereditary breast and ovarian cancer (HBOC) families to date (Armakolas A et al. Hum Mut. 2002 Jan;19(1):81-2; Pilato B et al. Breast Cancer Res Treat. 2010 Dec;124(3):875-8; Ghiorzo P et al. Fam Cancer. 2012 Mar;11(1):41-7; Coppa A et al. Breast Cancer Res Treat. 2014 Dec;148(3):629-35; Sambiasi D et al. Oncol. Rep., 2014 Jan;31:365-9; Rebbeck TR et al. Hum. Mutat. 2018 05;39(5):593-620). This variant is considered to be rare based on population cohorts in the Genome Aggregation Database (gnomAD). In addition to the clinical data presented in the literature, this alteration is expected to result in loss of function by premature protein truncation or nonsense-mediated mRNA decay. As such, this alteration is interpreted as a disease-causing mutation.

Baylor Genetics
Classification: Pathogenic for Familial cancer of breast. Last evaluated: 2024-02-23. Review status: criteria provided, single submitter. Criteria: ACMG Guidelines, 2015. Collection method: clinical testing. Allele origin: unknown. Not counted in ClinVar's aggregate classification.

GeneDx
Classification: Pathogenic. Last evaluated: 2023-10-05. Review status: criteria provided, single submitter. Criteria: GeneDx Variant Classification Process June 2021. Collection method: clinical testing. Allele origin: germline. Affected: yes. Not counted in ClinVar's aggregate classification.
Comment: Frameshift variant predicted to result in protein truncation or nonsense mediated decay in a gene for which loss of function is a known mechanism of disease; Truncating variants in this gene are considered pathogenic by a well-established clinical consortium and/or database; Not observed at significant frequency in large population cohorts (gnomAD); Also known as 6024_6025del, c.6024delTA, c.6024_6024delTA; This variant is associated with the following publications: (PMID: 18694767, 16162645, 29854283, 24737347, 19619314, 32438681, 20730485, 25395318, 21989927, 10660329, 24010542, 24312913, 23096355, 17688236, 16047344, 15131399, 11754111, 24145998, 15733268, 26295337, 26300996, 29061375, 28943953, 30482293, 29346284, 22072316, 27225819, 17453335, 18298804, 31090900, 32058061, 32885271, 29922827, 31892343, 36292577, 20104584, 36139606, 35409996)

Color Diagnostics, LLC DBA Color Health
Classification: Pathogenic for Hereditary cancer-predisposing syndrome. Last evaluated: 2023-07-11. Review status: criteria provided, single submitter. Criteria: ACMG Guidelines, 2015. Collection method: clinical testing. Allele origin: germline. Not counted in ClinVar's aggregate classification.
Comment: This variant deletes 2 nucleotides in exon 11 of the BRCA2 gene, creating a frameshift and premature translation stop signal. This variant is expected to result in an absent or non-functional protein product. This variant has been reported in individuals affected with breast and/or ovarian cancer (PMID: 11754111, 17688236, 19619314, 22072316, 23096355, 24145998, 25395318, 26564481), and pancreatic cancer (PMID: 21989927). This variant has not been identified in the general population by the Genome Aggregation Database (gnomAD). Loss of BRCA2 function is a known mechanism of disease. Based on the available evidence, this variant is classified as Pathogenic.

CHEO Genetics Diagnostic Laboratory, Children's Hospital of Eastern Ontario
Classification: Pathogenic for Breast and/or ovarian cancer. Last evaluated: 2023-02-24. Review status: criteria provided, single submitter. Criteria: ACMG Guidelines, 2015. Collection method: clinical testing. Allele origin: germline. Not counted in ClinVar's aggregate classification.

Quest Diagnostics Nichols Institute San Juan Capistrano
Classification: Pathogenic. Last evaluated: 2015-10-06. Review status: criteria provided, single submitter. Criteria: Quest Diagnostics criteria. Collection method: clinical testing. Allele origin: unknown. Not counted in ClinVar's aggregate classification.

Consortium of Investigators of Modifiers of BRCA1/2 (CIMBA), c/o University of Cambridge
Classification: Pathogenic for Breast-ovarian cancer, familial, susceptibility to, 2. Last evaluated: 2015-10-02. Review status: criteria provided, single submitter. Criteria: CIMBA Mutation Classification guidelines May 2016. Collection method: clinical testing. Allele origin: germline. Not counted in ClinVar's aggregate classification.

Laboratory of Medical Genetics Unit, Bambino Gesù Children's Hospital
Classification: Pathogenic for Medulloblastoma. Review status: criteria provided, single submitter. Criteria: ACMG Guidelines, 2015. Collection method: research. Allele origin: germline. Not counted in ClinVar's aggregate classification.
Comment: The NM_000059.4 (BRCA2): c.5796_5797del p(His1932GlnfsTer12) variant is not reported in the database of population GnomAD; it is annotated on Clinvar as pathogenic, associated with Hereditary Cancer-predisposing Syndrome [RCV000131106] and Hereditary Breast Ovarian Cancer Syndrome [RCV000257917]. The variant is reported in the literature, and it is classified as a pathogenic variant following the ACMG criteria (PVS1, PM2, PS4, PP5).